The following is an entry in ClinVar:

ClinVar aggregate classification (germline): Uncertain significance (1 of 4 stars; one submission).

Submission:

Labcorp Genetics (formerly Invitae), Labcorp
Classification: Uncertain significance. Last evaluated: 2023-05-10. Review status: criteria provided, single submitter. Criteria: Invitae Variant Classification Sherloc (09022015). Collection method: clinical testing. Allele origin: germline.
Comment: ClinVar contains an entry for this variant (Variation ID: 1517972). In summary, the available evidence is currently insufficient to determine the role of this variant in disease. Therefore, it has been classified as a Variant of Uncertain Significance. Advanced modeling of protein sequence and biophysical properties (such as structural, functional, and spatial information, amino acid conservation, physicochemical variation, residue mobility, and thermodynamic stability) performed at Invitae indicates that this missense variant is not expected to disrupt PCDH12 protein function. This variant has not been reported in the literature in individuals affected with PCDH12-related conditions. This variant is not present in population databases (gnomAD no frequency). This sequence change replaces alanine, which is neutral and non-polar, with glycine, which is neutral and non-polar, at codon 814 of the PCDH12 protein (p.Ala814Gly).

NM_016580.4(PCDH12):c.2441C>G (p.Ala814Gly)

Genes: PCDH12 (protocadherin 12; minus strand), RNF14 (ring finger protein 14; plus strand). Cytogenetic location: 5q31.3.
Variant type: single nucleotide variant.
Coding change: c.2441C>G on transcript NM_016580.4 (MANE Select); coding-DNA position 2441, C replaced by G.
Protein change: p.Ala814Gly; replaces alanine 814 with glycine.
Molecular consequence: missense variant.
Genome position (GRCh38, 1-based): chr5:141,955,411, G>C on the plus strand (C>G on the coding strand, the complement: PCDH12 is on the minus strand). VCF-style: chr5-141955411-G-C. GRCh37 (hg19) VCF-style: chr5-141334976-G-C.
Other names: short protein forms A814G.
Identifiers: ClinVar variation 1517972 (VCV001517972.6), dbSNP rs1477806351, ClinGen allele CA361574787.